The following is an entry in ClinVar:

ClinVar aggregate classification (germline): Conflicting classifications of pathogenicity. Review status: criteria provided, conflicting classifications (1 of 4 stars). 8 submissions from 8 submitters: Uncertain significance (6); Likely benign (2). Last evaluated 2025-04-01.

Conditions:
SYNE1-related disorder. Also called: SYNE1-related disease; SYNE1-related condition; SYNE1-related disorders.
Emery-Dreifuss muscular dystrophy 4, autosomal dominant (EDMD4). Also called: EMERY-DREIFUSS MUSCULAR DYSTROPHY 4 WITH VARIABLE FEATURES. Identifiers: Orphanet 261, MedGen C2751807, MONDO:0013071, OMIM 612998.
Autosomal recessive ataxia, Beauce type. Also called: SYNE1 Deficiency; SYNE1-Related Autosomal Recessive Cerebellar Ataxia; ATAXIA, RECESSIVE, OF BEAUCE; Spinocerebellar ataxia, autosomal recessive 8. Identifiers: Orphanet 88644, MedGen C1853116, MONDO:0012549, OMIM 610743.
Inborn genetic diseases. Identifiers: MedGen C0950123, MeSH D030342.

Allele frequency attached by ClinVar (database versions not stated): ExAC 0.00012; gnomAD exomes 0.00013 and 0.00016; TOPMed 0.00035; gnomAD 0.00037 and 0.00040; ESP Exome Variant Server 0.00046.
gnomAD v4.1: 314 of 1,614,056 alleles (0.019%); highest among the groups gnomAD compares: African/African-American, 0.084%; 1 homozygote.

Submissions (9):

CeGaT Center for Human Genetics Tuebingen
Classification: Likely benign. Last evaluated: 2025-04-01. Review status: criteria provided, single submitter. Criteria: CeGaT Center For Human Genetics Tuebingen Variant Classification Criteria Version 2. Collection method: clinical testing. Allele origin: germline. Affected: yes. Observed: 1 variant allele.
Comment: SYNE1: BP4

Athena Diagnostics
Classification: Uncertain significance. Last evaluated: 2025-02-07. Review status: criteria provided, single submitter. Criteria: Athena Diagnostics Criteria. Collection method: clinical testing. Allele origin: unknown.
Comment: Available data are insufficient to determine the clinical significance of the variant at this time. The frequency of this variant in the general population is higher than would generally be expected for pathogenic variants in this gene. Polyphen and MutationTaster predict this amino acid change may be benign.

GeneDx
Classification: Uncertain significance. Last evaluated: 2025-02-05. Review status: criteria provided, single submitter. Criteria: GeneDx Variant Classification Process June 2021. Collection method: clinical testing. Allele origin: germline. Affected: yes.
Comment: In silico analysis indicates that this missense variant does not alter protein structure/function; Has not been previously published as pathogenic or benign to our knowledge

Revvity Omics, Revvity
Classification: Likely benign. Last evaluated: 2024-07-26. Review status: criteria provided, single submitter. Criteria: ACMG Guidelines, 2015. Collection method: clinical testing. Allele origin: germline.

PreventionGenetics, part of Exact Sciences
Classification: Uncertain significance for SYNE1-related condition. Last evaluated: 2023-06-07. Review status: criteria provided, single submitter. Criteria: ACMG Guidelines, 2015. Collection method: clinical testing. Allele origin: germline.
Comment: The SYNE1 c.14288G>A variant is predicted to result in the amino acid substitution p.Arg4763Gln. To our knowledge, this variant has not been reported in the literature. This variant is reported in 0.084% of alleles in individuals of African descent in gnomAD, which is more common than expected for a disease-causing variant. At this time, the clinical significance of this variant is uncertain due to the absence of conclusive functional and genetic evidence.

Labcorp Genetics (formerly Invitae), Labcorp
Classification: Uncertain significance for Emery-Dreifuss muscular dystrophy 4, autosomal dominant; Autosomal recessive ataxia, Beauce type. Last evaluated: 2022-08-16. Review status: criteria provided, single submitter. Criteria: Invitae Variant Classification Sherloc (09022015). Collection method: clinical testing. Allele origin: germline.
Comment: This sequence change replaces arginine, which is basic and polar, with glutamine, which is neutral and polar, at codon 4763 of the SYNE1 protein (p.Arg4763Gln). This variant is present in population databases (rs141883764, gnomAD 0.09%). This variant has not been reported in the literature in individuals affected with SYNE1-related conditions. ClinVar contains an entry for this variant (Variation ID: 286148). Algorithms developed to predict the effect of missense changes on protein structure and function output the following: SIFT: "Tolerated"; PolyPhen-2: "Benign"; Align-GVGD: "Class C0". The glutamine amino acid residue is found in multiple mammalian species, which suggests that this missense change does not adversely affect protein function. In summary, the available evidence is currently insufficient to determine the role of this variant in disease. Therefore, it has been classified as a Variant of Uncertain Significance.

Ambry Genetics
Classification: Uncertain significance for Inborn genetic diseases. Last evaluated: 2021-08-02. Review status: criteria provided, single submitter. Criteria: Ambry Variant Classification Scheme 2023. Collection method: clinical testing. Allele origin: germline.

Eurofins Ntd Llc (ga)
Classification: Uncertain significance. Last evaluated: 2016-02-11. Review status: criteria provided, single submitter. Criteria: EGL Classification Definitions 2015. Collection method: clinical testing. Allele origin: germline. Observed: 2 variant alleles, 2 heterozygotes.

Dr. Peter K. Rogan Lab, Western University
No classification provided (evidence only). Condition: Clear cell carcinoma of kidney. Review status: no classification provided. Collection method: in vitro. Allele origin: not applicable. Functional consequence: retained intron. Not counted in ClinVar's aggregate classification.

NM_182961.4(SYNE1):c.14501G>A (p.Arg4834Gln)

Gene: SYNE1 (spectrin repeat containing nuclear envelope protein 1; minus strand). Cytogenetic location: 6q25.2.
Variant type: single nucleotide variant.
Coding change: c.14501G>A on transcript NM_182961.4 (MANE Select); coding-DNA position 14501, G replaced by A.
Protein change: p.Arg4834Gln; replaces arginine 4834 with glutamine.
Molecular consequence: missense variant.
Genome position (GRCh38, 1-based): chr6:152,330,184, C>T on the plus strand (G>A on the coding strand, the complement: SYNE1 is on the minus strand). VCF-style: chr6-152330184-C-T. GRCh37 (hg19) VCF-style: chr6-152651319-C-T.
Other names: c.14288G>A, p.Arg4763Gln (NM_033071.5); short protein forms R4763Q, R4834Q.
Identifiers: ClinVar variation 286148 (VCV000286148.31), dbSNP rs141883764, ClinGen allele CA4055993.